The following is an entry in ClinVar:

ClinVar aggregate classification (germline): Uncertain significance. Review status: criteria provided, multiple submitters, no conflicts (2 of 4 stars). 2 submissions from 2 submitters: Uncertain significance (2). Last evaluated 2024-06-03.

Allele frequency attached by ClinVar (database versions not stated): gnomAD 0.00001 and 0.00003; TOPMed 0.00001; gnomAD exomes 0.00002.
gnomAD v4.1: 30 of 1,614,156 alleles (0.0019%); highest among the groups gnomAD compares: South Asian, 0.025%; no homozygotes.

Submissions (2):

Ambry Genetics
Classification: Uncertain significance. Last evaluated: 2024-06-03. Review status: criteria provided, single submitter. Criteria: Ambry Variant Classification Scheme 2023. Collection method: clinical testing. Allele origin: germline.

Labcorp Genetics (formerly Invitae), Labcorp
Classification: Uncertain significance. Last evaluated: 2022-08-16. Review status: criteria provided, single submitter. Criteria: Invitae Variant Classification Sherloc (09022015). Collection method: clinical testing. Allele origin: germline.
Comment: In summary, the available evidence is currently insufficient to determine the role of this variant in disease. Therefore, it has been classified as a Variant of Uncertain Significance. Algorithms developed to predict the effect of missense changes on protein structure and function are either unavailable or do not agree on the potential impact of this missense change (SIFT: "Not Available"; PolyPhen-2: "Possibly Damaging"; Align-GVGD: "Not Available"). This sequence change replaces arginine with tryptophan at codon 925 of the HYOU1 protein (p.Arg925Trp). The arginine residue is weakly conserved and there is a moderate physicochemical difference between arginine and tryptophan. This variant is present in population databases (rs782726538, gnomAD 0.03%). This variant has not been reported in the literature in individuals affected with HYOU1-related conditions. ClinVar contains an entry for this variant (Variation ID: 1505529).

NM_006389.5(HYOU1):c.2773C>T (p.Arg925Trp)

Gene: HYOU1 (hypoxia up-regulated 1; minus strand). Cytogenetic location: 11q23.3.
Variant type: single nucleotide variant.
Coding change: c.2773C>T on transcript NM_006389.5 (MANE Select); coding-DNA position 2773, C replaced by T.
Protein change: p.Arg925Trp; replaces arginine 925 with tryptophan.
Molecular consequence: missense variant.
Genome position (GRCh38, 1-based): chr11:119,046,625, G>A on the plus strand (C>T on the coding strand, the complement: HYOU1 is on the minus strand). VCF-style: chr11-119046625-G-A. GRCh37 (hg19) VCF-style: chr11-118917337-G-A.
Other names: c.2773C>T (NM_006389.3); c.2773C>T, p.Arg925Trp (NM_001130991.3); short protein forms R925W.
Identifiers: ClinVar variation 1505529 (VCV001505529.7), dbSNP rs782726538, ClinGen allele CA229616859.